The following is an entry in ClinVar:

ClinVar aggregate classification (germline): Likely benign. Review status: criteria provided, single submitter (1 of 4 stars). 2 submissions from 2 submitters: Likely benign (1). 1 of the submissions does not count toward it. Last evaluated 2025-09-13.

Conditions:
MMP2-related disorder. Also called: MMP2-related condition.

Allele frequency attached by ClinVar (database versions not stated): gnomAD exomes 0.00007 and 0.00011; ExAC 0.00016; 1000 Genomes Project 30x 0.00047; gnomAD 0.00057 and 0.00060; TOPMed 0.00057; 1000 Genomes Project 0.00060; ESP Exome Variant Server 0.00085.
gnomAD v4.1: 203 of 1,614,030 alleles (0.013%); highest among the groups gnomAD compares: African/African-American, 0.19%; 3 homozygotes.

Submissions (2):

Labcorp Genetics (formerly Invitae), Labcorp
Classification: Likely benign. Last evaluated: 2025-09-13. Review status: criteria provided, single submitter. Criteria: Invitae Variant Classification Sherloc (09022015). Collection method: clinical testing. Allele origin: germline.

PreventionGenetics, part of Exact Sciences
Classification: Likely benign for MMP2-related condition. Last evaluated: 2019-05-01. Review status: no assertion criteria provided. Collection method: clinical testing. Allele origin: germline. Not counted in ClinVar's aggregate classification.
Comment: This variant is classified as likely benign based on ACMG/AMP sequence variant interpretation guidelines (Richards et al. 2015 PMID: 25741868, with internal and published modifications).

NM_004530.6(MMP2):c.1965C>T (p.Ser655=)

Gene: MMP2 (matrix metallopeptidase 2; plus strand). Cytogenetic location: 16q12.2.
Variant type: single nucleotide variant.
Coding change: c.1965C>T on transcript NM_004530.6 (MANE Select); coding-DNA position 1965, C replaced by T.
Protein change: p.Ser655=; no amino-acid change (serine 655 retained).
Molecular consequence: synonymous variant.
Genome position (GRCh38, 1-based): chr16:55,505,424, C>T. VCF-style: chr16-55505424-C-T. GRCh37 (hg19) VCF-style: chr16-55539336-C-T.
Other names: c.1815C>T, p.Ser605= (NM_001127891.3); c.1737C>T, p.Ser579= (NM_001302508.1, NM_001302509.2, NM_001302510.2).
Identifiers: ClinVar variation 712198 (VCV000712198.12), dbSNP rs140317801, ClinGen allele CA8060636.